The following is an entry in ClinVar:

NM_006767.4(LZTR1):c.2326-5T>G

Gene: LZTR1 (leucine zipper like post translational regulator 1; plus strand). Cytogenetic location: 22q11.21.
Variant type: single nucleotide variant.
Coding change: c.2326-5T>G on transcript NM_006767.4 (MANE Select); 5 bases into the intron before coding-DNA position 2326, T replaced by G.
Molecular consequence: intron variant.
Genome position (GRCh38, 1-based): chr22:20,996,881, T>G. VCF-style: chr22-20996881-T-G. GRCh37 (hg19) VCF-style: chr22-21351170-T-G.
Identifiers: ClinVar variation 1789651 (VCV001789651.2), dbSNP rs1412999901, ClinGen allele CA2580099321.

ClinVar aggregate classification (germline): Uncertain significance (1 of 4 stars; one submission).

Conditions:
Hereditary cancer-predisposing syndrome. Also called: Hereditary Cancer Syndrome; Hereditary neoplastic syndrome; Tumor predisposition; Neoplastic Syndromes, Hereditary. Identifiers: Orphanet 140162, MedGen C0027672, MeSH D009386, MONDO:0015356.
Cardiovascular phenotype. Identifiers: MedGen CN230736.

Submission:

Ambry Genetics
Classification: Uncertain significance for Cardiovascular phenotype; Hereditary cancer-predisposing syndrome. Last evaluated: 2021-07-19. Review status: criteria provided, single submitter. Criteria: Ambry Variant Classification Scheme 2023. Collection method: clinical testing. Allele origin: germline.
Comment: The c.2326-5T>G intronic variant results from a T to G substitution 5 nucleotides upstream from coding exon 20 in the LZTR1 gene. This nucleotide position is well conserved in available vertebrate species. In silico splice site analysis predicts that this alteration may weaken the native splice acceptor site. Since supporting evidence is limited at this time, the clinical significance of this alteration remains unclear.